The following is an entry in ClinVar:

NM_000018.4(ACADVL):c.961A>G (p.Asn321Asp)

Gene: ACADVL (acyl-CoA dehydrogenase very long chain; plus strand). Cytogenetic location: 17p13.1.
Variant type: single nucleotide variant.
Coding change: c.961A>G on transcript NM_000018.4 (MANE Select); coding-DNA position 961, A replaced by G.
Protein change: p.Asn321Asp; replaces asparagine 321 with aspartic acid.
Molecular consequence: missense variant.
Genome position (GRCh38, 1-based): chr17:7,222,749, A>G. VCF-style: chr17-7222749-A-G. GRCh37 (hg19) VCF-style: chr17-7126068-A-G.
Other names: c.895A>G, p.Asn299Asp (NM_001033859.3); c.1030A>G, p.Asn344Asp (NM_001270447.2); c.733A>G, p.Asn245Asp (NM_001270448.2); short protein forms N245D, N299D, N321D, N344D.
Identifiers: ClinVar variation 3347134 (VCV003347134.1).

ClinVar aggregate classification (germline): Uncertain significance (0 of 4 stars; one submission).

Conditions:
ACADVL-related disorder. Also called: ACADVL-related condition.

Submission:

PreventionGenetics, part of Exact Sciences
Classification: Uncertain significance for ACADVL-related condition. Last evaluated: 2024-03-26. Review status: no assertion criteria provided. Collection method: clinical testing. Allele origin: germline.
Comment: The ACADVL c.961A>G variant is predicted to result in the amino acid substitution p.Asn321Asp. This variant was reported, along with a likely pathogenic variant, in one patient presenting with hypoglycemia, cardiac hypertrophy and newborn screening consistent with very long chain acyl-CoA dehydrogenase deficiency (Chien et al. 2013. PubMed ID: 23700290). A different variant variant affecting this amino acid has been reported in a patient with episodes of hypoglycemia, elevated CK, and elevated transaminase; however, additional metabolic testing was not performed (p.Asn321Lys; Olsson et al. 2022. PubMed ID: 35281659). The c.961A>G variant has not been reported in a large population database, indicating this variant is rare. Although we suspect that this variant may be pathogenic, at this time, the clinical significance of this variant is uncertain due to the absence of conclusive functional and genetic evidence.